The following is an entry in ClinVar:

NM_020184.4(CNNM4):c.749A>G (p.Asn250Ser)

Gene: CNNM4 (cyclin and CBS domain divalent metal cation transport mediator 4; plus strand). Cytogenetic location: 2q11.2.
Variant type: single nucleotide variant.
Coding change: c.749A>G on transcript NM_020184.4 (MANE Select); coding-DNA position 749, A replaced by G.
Protein change: p.Asn250Ser; replaces asparagine 250 with serine.
Molecular consequence: missense variant.
Genome position (GRCh38, 1-based): chr2:96,761,748, A>G. VCF-style: chr2-96761748-A-G. GRCh37 (hg19) VCF-style: chr2-97427485-A-G.
Other names: short protein forms N250S.
Identifiers: ClinVar variation 2121298 (VCV002121298.4), dbSNP rs2469454235, ClinGen allele CA347714938.

ClinVar aggregate classification (germline): Uncertain significance (1 of 4 stars; one submission).

Submission:

Labcorp Genetics (formerly Invitae), Labcorp
Classification: Uncertain significance. Last evaluated: 2022-04-04. Review status: criteria provided, single submitter. Criteria: Invitae Variant Classification Sherloc (09022015). Collection method: clinical testing. Allele origin: germline.
Comment: Algorithms developed to predict the effect of missense changes on protein structure and function are either unavailable or do not agree on the potential impact of this missense change (SIFT: "Tolerated"; PolyPhen-2: "Probably Damaging"; Align-GVGD: "Class C0"). This variant has not been reported in the literature in individuals affected with CNNM4-related conditions. This variant is not present in population databases (gnomAD no frequency). This sequence change replaces asparagine, which is neutral and polar, with serine, which is neutral and polar, at codon 250 of the CNNM4 protein (p.Asn250Ser). In summary, the available evidence is currently insufficient to determine the role of this variant in disease. Therefore, it has been classified as a Variant of Uncertain Significance.